The following is an entry in ClinVar:

NM_014915.3(ANKRD26):c.3490G>A (p.Val1164Met)

Gene: ANKRD26 (ankyrin repeat domain containing 26; minus strand). Cytogenetic location: 10p12.1.
Variant type: single nucleotide variant.
Coding change: c.3490G>A on transcript NM_014915.3 (MANE Select); coding-DNA position 3490, G replaced by A.
Protein change: p.Val1164Met; replaces valine 1164 with methionine.
Molecular consequence: missense variant.
Genome position (GRCh38, 1-based): chr10:27,034,960, C>T on the plus strand (G>A on the coding strand, the complement: ANKRD26 is on the minus strand). VCF-style: chr10-27034960-C-T. GRCh37 (hg19) VCF-style: chr10-27323889-C-T.
Other names: c.3487G>A, p.Val1163Met (NM_001256053.2); short protein forms V1163M, V1164M.
Identifiers: ClinVar variation 3913785 (VCV003913785.1).
Genomic context (GRCh38, chr10:27,034,960, plus strand): 5'-TTTCACTCTCAGCTTGAAGTTTTTGCACAATAGCATGAAACTGGTCTTGGATATTAATCA[C>T]TGTCTTCTCTTTATTGTCAGCCTTGTTGTGGGCATCATCCAGTTGTTGTCGAAGCAACAT-3'
Protein context (NP_055730.2, residues 1154-1174): HNKADNKEKT[Val1164Met]INIQDQFHAI

ClinVar aggregate classification (germline): Uncertain significance (1 of 4 stars; one submission).

Conditions:
Inborn genetic diseases. Identifiers: MedGen C0950123, MeSH D030342.

gnomAD v4.1: 1 of 1,613,982 alleles (0.000062%); highest among the groups gnomAD compares: African/African-American, 0.0013%; no homozygotes.

Submission:

Ambry Genetics
Classification: Uncertain significance for Inborn genetic diseases. Last evaluated: 2025-04-18. Review status: criteria provided, single submitter. Criteria: Ambry Variant Classification Scheme 2023. Collection method: clinical testing. Allele origin: germline.
Comment: The p.V1164M variant (also known as c.3490G>A), located in coding exon 24 of the ANKRD26 gene, results from a G to A substitution at nucleotide position 3490. The valine at codon 1164 is replaced by methionine, an amino acid with highly similar properties. This amino acid position is conserved. In addition, this alteration is predicted to be tolerated by in silico analysis. Based on the available evidence, the clinical significance of this variant remains unclear.